The following is an entry in ClinVar:

ClinVar aggregate classification (germline): Likely pathogenic (1 of 4 stars; one submission).

Conditions:
RYR1-related disorder. Also called: RYR1-related condition; RYR1-related disorders. Identifiers: MedGen CN239331.

Submission:

Labcorp Genetics (formerly Invitae), Labcorp
Classification: Likely pathogenic for RYR1-related disorder. Last evaluated: 2023-11-19. Review status: criteria provided, single submitter. Criteria: Invitae Variant Classification Sherloc (09022015). Collection method: clinical testing. Allele origin: germline.
Comment: This sequence change affects an acceptor splice site in intron 2 of the RYR1 gene. It is expected to disrupt RNA splicing. Variants that disrupt the donor or acceptor splice site typically lead to a loss of protein function (PMID: 16199547), and loss-of-function variants in RYR1 are known to be pathogenic (PMID: 23919265, 25960145, 28818389, 30611313). This variant is not present in population databases (gnomAD no frequency). This variant has not been reported in the literature in individuals affected with RYR1-related conditions. Algorithms developed to predict the effect of sequence changes on RNA splicing suggest that this variant may disrupt the consensus splice site. In summary, the currently available evidence indicates that the variant is pathogenic, but additional data are needed to prove that conclusively. Therefore, this variant has been classified as Likely Pathogenic.

Literature cited by the submitters: PubMed 16199547; PubMed 23919265; PubMed 25960145; PubMed 28818389; PubMed 30611313.

NM_000540.3(RYR1):c.166-2A>C

Gene: RYR1 (ryanodine receptor 1; plus strand). Cytogenetic location: 19q13.2.
Variant type: single nucleotide variant.
Coding change: c.166-2A>C on transcript NM_000540.3 (MANE Select); the canonical splice acceptor site of the intron before coding-DNA position 166, A replaced by C.
Molecular consequence: splice acceptor variant.
Genome position (GRCh38, 1-based): chr19:38,442,347, A>C. VCF-style: chr19-38442347-A-C. GRCh37 (hg19) VCF-style: chr19-38932987-A-C.
Other names: c.166-2A>C (NM_001042723.2).
Identifiers: ClinVar variation 2959831 (VCV002959831.3), dbSNP rs2513965262, ClinGen allele CA405673595.